The following is an entry in ClinVar:

ClinVar aggregate classification (germline): Conflicting classifications of pathogenicity. Review status: criteria provided, conflicting classifications (1 of 4 stars). 19 submissions from 16 submitters: Uncertain significance (11); Benign (1); Likely benign (5). 2 of the submissions do not count toward it. Last evaluated 2026-01-26.

Conditions:
Cardiovascular phenotype. Identifiers: MedGen CN230736.
Catecholaminergic polymorphic ventricular tachycardia (CVPT). Also called: Catecholamine-induced polymorphic ventricular tachycardia. Identifiers: Orphanet 3286, MedGen C5574922, MONDO:0017990.
Cardiomyopathy (CMYO). Also called: Cardiomyopathies. Identifiers: Orphanet 167848, MedGen C0878544, MONDO:0004994, HP:0001638. Inheritance: Various modes of inheritance.
Left ventricular noncompaction. Identifiers: Orphanet 54260, MedGen C1960469, MONDO:0018901, HP:0030682.
Catecholaminergic polymorphic ventricular tachycardia 1. Also called: RYR2-Related Catecholaminergic Polymorphic Ventricular Tachycardia; VENTRICULAR TACHYCARDIA, CATECHOLAMINERGIC POLYMORPHIC, 1, WITH OR WITHOUT ATRIAL DYSFUNCTION AND/OR DILATED CARDIOMYOPATHY; VENTRICULAR TACHYCARDIA, STRESS-INDUCED POLYMORPHIC 1. Identifiers: Orphanet 3286, MedGen C1631597, MONDO:0011484, OMIM 604772.
Arrhythmogenic right ventricular dysplasia 2. Identifiers: MedGen C1832931.
Hypertrophic cardiomyopathy. Also called: HYPERTROPHIC MYOCARDIOPATHY. Identifiers: Orphanet 217569, MedGen C0007194, MeSH D002312, MONDO:0005045, HP:0001639.

Allele frequency attached by ClinVar (database versions not stated): 1000 Genomes Project 30x 0.00016; gnomAD exomes 0.00025 and 0.00060; gnomAD 0.00027 and 0.00028; TOPMed 0.00028; 1000 Genomes Project 0.00040; ExAC 0.00041.
gnomAD v4.1: 889 of 1,591,854 alleles (0.056%); highest among the groups gnomAD compares: Non-Finnish European, 0.073%; no homozygotes.

Submissions 1 to 11 of 19:

Labcorp Genetics (formerly Invitae), Labcorp
Classification: Likely benign for Catecholaminergic polymorphic ventricular tachycardia 1. Last evaluated: 2026-01-26. Review status: criteria provided, single submitter. Criteria: Invitae Variant Classification Sherloc (09022015). Collection method: clinical testing. Allele origin: germline.

Color Diagnostics, LLC DBA Color Health
Classification: Benign for Cardiomyopathy. Last evaluated: 2025-11-04. Review status: criteria provided, single submitter. Criteria: ACMG Guidelines, 2015. Collection method: clinical testing. Allele origin: germline.

Women's Health and Genetics/Laboratory Corporation of America, LabCorp
Classification: Likely benign. Last evaluated: 2025-05-28. Review status: criteria provided, single submitter. Criteria: LabCorp Variant Classification Summary - May 2015. Collection method: clinical testing. Allele origin: germline.
Comment: Variant summary: RYR2 c.13291G>A (p.Glu4431Lys) results in a conservative amino acid change in the encoded protein sequence. Algorithms developed to predict the effect of missense changes on protein structure and function are either unavailable or do not agree on the potential impact of this missense change. The variant allele was found at a frequency of 0.00025 in 211502 control chromosomes. The observed variant frequency is approximately 7-fold of the estimated maximal expected allele frequency for a pathogenic variant in RYR2 causing Catecholaminergic Polymorphic Ventricular Tachycardia phenotype (3.4e-05). The variant has been reported in at least three individuals with clinical findings suggestive of arrhythmia and or CPVT, however without strong evidence for causality (eg. segregation, co-occurrence information was not provided) (Berge_2008, Jabbari_2013, Landstrom_2017, Medeiros-Domingo_2009, Stava_2024, Wang_2014). These report(s) do not provide unequivocal conclusions about association of the variant with Catecholaminergic Polymorphic Ventricular Tachycardia. To our knowledge, no experimental evidence demonstrating an impact on protein function has been reported. The following publications have been ascertained in the context of this evaluation (PMID: 18752142, 24025405, 28404607, 19926015, 39073097, 24631775). ClinVar contains an entry for this variant (Variation ID: 165128). Based on the evidence outlined above, the variant was classified as likely benign.

GeneDx
Classification: Uncertain significance. Last evaluated: 2025-03-26. Review status: criteria provided, single submitter. Criteria: GeneDx Variant Classification Process June 2021. Collection method: clinical testing. Allele origin: germline. Affected: yes.
Comment: Identified in one individual with a history of syncope and a prolonged QT interval and in one individual with autopsy-negative sudden unexplained death (PMID: 18752142, 24631775); Reported in a patient with short QT syndrome (SQTS) in the published literature who harbored additional cardiogenetic variants (PMID: 34712558); Located in one of the three hot-spot regions of the RYR2 gene, where the majority of pathogenic missense variants occur (PMID: 19926015); In silico analysis indicates that this missense variant does not alter protein structure/function; This variant is associated with the following publications: (PMID: 24631775, 24025405, 27538377, 26633542, 19926015, 28404607, 23022705, 19362677, 34712558, 18752142, 37234784, 37937776, 32152366, 37198425, 31638414)

All of Us Research Program, National Institutes of Health
Classification: Uncertain significance for Catecholaminergic polymorphic ventricular tachycardia. Last evaluated: 2024-09-27. Review status: criteria provided, single submitter. Criteria: ACMG Guidelines, 2015. Collection method: clinical testing. Allele origin: germline. Inheritance: Autosomal dominant inheritance. Observed: 92 variant alleles, 92 heterozygotes.
Comment: This missense variant replaces glutamic acid with lysine at codon 4431 of the RYR2 protein. Computational prediction is inconclusive regarding the impact of this variant on protein structure and function (internally defined REVEL score threshold 0.5 < inconclusive < 0.7, PMID: 27666373). To our knowledge, functional studies have not been reported for this variant. This variant has been reported in individuals affected with long QT syndrome (PMID: 18752142), sudden unexplained death (PMID: 24631775), early-onset atrial fibrillation (PMID: 31638414), short QT syndrome (PMID: 34712558), and dilated cardiomyopathy (PMID: 37198425). This variant has also been identified in 54/242862 chromosomes in the general population by the Genome Aggregation Database (gnomAD). Although this variant allele frequency is thought to be higher than expected for RYR2-related disorders, additional studies are necessary to determine the role of this variant in disease conclusively. Therefore, this variant is classified as a Variant of Uncertain Significance.

This study involves interpretation of variants in research participants for the purpose of population health screening. Participant phenotype was not available at the time of variant classification. Additional details can be found in publication PMID: 35346344, PMCID: PMC8962531

Blueprint Genetics
Classification: Likely benign. Last evaluated: 2024-09-05. Review status: criteria provided, single submitter. Criteria: ACMG Guidelines, 2015. Collection method: clinical testing. Allele origin: germline.

ARUP Laboratories, Molecular Genetics and Genomics, ARUP Laboratories
Classification: Uncertain significance. Last evaluated: 2024-08-15. Review status: criteria provided, single submitter. Criteria: ARUP Molecular Germline Variant Investigation Process 2024. Collection method: clinical testing. Allele origin: germline.
Comment: The RYR2 c.13291G>A; p.Glu4431Lys variant (rs571985775, ClinVar Variation ID 165128) is reported in the literature in individuals affected with long QT syndrome, non-infant unexplained death, and early-onset atrial fibrillation (Berge 2008, Goodyer 2019, Wang 2014). This variant is found primarily in the non-Finnish European population with an allele frequency of 0.05% (51/106,610 alleles) in the Genome Aggregation Database (v2.1.1). Computational analyses are uncertain whether this variant is neutral or deleterious (REVEL: 0.532). Due to limited information, the clinical significance of this variant is uncertain at this time. References: Berge KE et al. Molecular genetic analysis of long QT syndrome in Norway indicating a high prevalence of heterozygous mutation carriers. Scand J Clin Lab Invest. 2008;68(5):362-8. PMID: 18752142. Goodyer WR et al. Broad Genetic Testing in a Clinical Setting Uncovers a High Prevalence of Titin Loss-of-Function Variants in Very Early Onset Atrial Fibrillation. Circ Genom Precis Med. 2019 Nov;12(11):e002713. PMID: 31638414. Wang D et al. Cardiac channelopathy testing in 274 ethnically diverse sudden unexplained deaths. Forensic Sci Int. 2014 Apr;237:90-9. PMID: 24631775.

CeGaT Center for Human Genetics Tuebingen
Classification: Uncertain significance. Last evaluated: 2022-06-01. Review status: criteria provided, single submitter. Criteria: CeGaT Center For Human Genetics Tuebingen Variant Classification Criteria Version 2. Collection method: clinical testing. Allele origin: germline. Affected: yes. Observed: 1 variant allele.
Comment: RYR2: PM1

Ambry Genetics
Classification: Likely benign for Cardiovascular phenotype. Last evaluated: 2021-09-07. Review status: criteria provided, single submitter. Criteria: Ambry Variant Classification Scheme 2023. Collection method: clinical testing. Allele origin: germline.

Illumina Laboratory Services, Illumina
Classification: Uncertain significance for Catecholaminergic polymorphic ventricular tachycardia 1. Last evaluated: 2018-11-26. Review status: criteria provided, single submitter. Criteria: ICSL Variant Classification Criteria 13 December 2019. Collection method: clinical testing. Allele origin: germline.

Illumina Laboratory Services, Illumina
Classification: Likely benign for Catecholaminergic polymorphic ventricular tachycardia 1. Last evaluated: 2018-11-26. Review status: criteria provided, single submitter. Criteria: ICSL Variant Classification Criteria 13 December 2019. Collection method: clinical testing. Allele origin: germline.
Comment: This variant was observed as part of a predisposition screen in an ostensibly healthy population. A literature search was performed for the gene, cDNA change, and amino acid change (where applicable). Publications were found based on this search. The evidence from the literature, in combination with allele frequency data from public databases where available, was sufficient to determine this variant is unlikely to cause disease. Therefore, this variant is classified as likely benign.

NM_001035.3(RYR2):c.13291G>A (p.Glu4431Lys)

Gene: RYR2 (ryanodine receptor 2; plus strand). Cytogenetic location: 1q43.
Variant type: single nucleotide variant.
Coding change: c.13291G>A on transcript NM_001035.3 (MANE Select); coding-DNA position 13291, G replaced by A.
Protein change: p.Glu4431Lys; replaces glutamic acid 4431 with lysine.
Molecular consequence: missense variant.
Genome position (GRCh38, 1-based): chr1:237,785,999, G>A. VCF-style: chr1-237785999-G-A. GRCh37 (hg19) VCF-style: chr1-237949299-G-A.
Other names: short protein forms E4431K.
Identifiers: ClinVar variation 165128 (VCV000165128.81), dbSNP rs571985775, ClinGen allele CA007871.